The following is an entry in ClinVar:

ClinVar aggregate classification (germline): Uncertain significance (1 of 4 stars; one submission).

Allele frequency attached by ClinVar (database versions not stated): ExAC 0.00001; gnomAD 0.00001; gnomAD exomes 0.00001 and 0.00002; TOPMed 0.00001.
gnomAD v4.1: 7 of 1,613,032 alleles (0.00043%); highest among the groups gnomAD compares: Admixed American, 0.01%; no homozygotes.

Submission:

Labcorp Genetics (formerly Invitae), Labcorp
Classification: Uncertain significance. Last evaluated: 2020-10-09. Review status: criteria provided, single submitter. Criteria: Invitae Variant Classification Sherloc (09022015). Collection method: clinical testing. Allele origin: germline.
Comment: Nucleotide substitutions within the consensus splice site are a relatively common cause of aberrant splicing (PMID: 17576681, 9536098). Algorithms developed to predict the effect of sequence changes on RNA splicing suggest that this variant may disrupt the consensus splice site, but this prediction has not been confirmed by published transcriptional studies. In summary, the available evidence is currently insufficient to determine the role of this variant in disease. Therefore, it has been classified as a Variant of Uncertain Significance. This variant has not been reported in the literature in individuals with CNGA3-related conditions. This variant is present in population databases (rs766732326, ExAC 0.009%). This sequence change falls in intron 7 of the CNGA3 gene. It does not directly change the encoded amino acid sequence of the CNGA3 protein, but it affects a nucleotide within the consensus splice site of the intron.

Literature cited by the submitters: PubMed 17576681; PubMed 9536098.

NM_001298.3(CNGA3):c.673+5G>T

Gene: CNGA3 (cyclic nucleotide gated channel subunit alpha 3; plus strand). Cytogenetic location: 2q11.2.
Variant type: single nucleotide variant.
Coding change: c.673+5G>T on transcript NM_001298.3 (MANE Select); 5 bases into the intron after coding-DNA position 673, G replaced by T.
Molecular consequence: intron variant.
Genome position (GRCh38, 1-based): chr2:98,391,975, G>T. VCF-style: chr2-98391975-G-T. GRCh37 (hg19) VCF-style: chr2-99008438-G-T.
Other names: c.619+5G>T (NM_001079878.2).
Identifiers: ClinVar variation 1062974 (VCV001062974.5), dbSNP rs766732326, ClinGen allele CA1793846.
Genomic context (GRCh38, chr2:98,391,975, plus strand): 5'-GGACTACTCGGCAGATGTCCTGTATGTCTTGGATGTGCTTGTACGAGCTCGGACAGGTGA[G>T]TGTGCCCCAGGCCTGGGGAGGGGACCATGGCCCCCACGGGAGTGTTCCGGGAGACCCAGC-3'